The following is an entry in ClinVar:

ClinVar aggregate classification (germline): Uncertain significance (1 of 4 stars; one submission).

Allele frequency attached by ClinVar (database versions not stated): ExAC 0.00002; gnomAD exomes below 0.00001.
gnomAD v4.1: 2 of 1,613,750 alleles (0.00012%); highest among the groups gnomAD compares: Admixed American, 0.0033%; no homozygotes.

Submission:

Labcorp Genetics (formerly Invitae), Labcorp
Classification: Uncertain significance. Last evaluated: 2025-11-01. Review status: criteria provided, single submitter. Criteria: Invitae Variant Classification Sherloc (09022015). Collection method: clinical testing. Allele origin: germline.
Comment: This sequence change replaces phenylalanine, which is neutral and non-polar, with serine, which is neutral and polar, at codon 900 of the ENPP1 protein (p.Phe900Ser). This variant is present in population databases (rs773686514, gnomAD 0.009%). This variant has not been reported in the literature in individuals affected with ENPP1-related conditions. ClinVar contains an entry for this variant (Variation ID: 1956480). Invitae Evidence Modeling of protein sequence and biophysical properties (such as structural, functional, and spatial information, amino acid conservation, physicochemical variation, residue mobility, and thermodynamic stability) indicates that this missense variant is expected to disrupt ENPP1 protein function with a positive predictive value of 80%. In summary, the available evidence is currently insufficient to determine the role of this variant in disease. Therefore, it has been classified as a Variant of Uncertain Significance.

NM_006208.3(ENPP1):c.2699T>C (p.Phe900Ser)

Gene: ENPP1 (ectonucleotide pyrophosphatase/phosphodiesterase 1; plus strand). Cytogenetic location: 6q23.2.
Variant type: single nucleotide variant.
Coding change: c.2699T>C on transcript NM_006208.3 (MANE Select); coding-DNA position 2699, T replaced by C.
Protein change: p.Phe900Ser; replaces phenylalanine 900 with serine.
Molecular consequence: missense variant.
Genome position (GRCh38, 1-based): chr6:131,890,432, T>C. VCF-style: chr6-131890432-T-C. GRCh37 (hg19) VCF-style: chr6-132211572-T-C.
Other names: short protein forms F900S.
Identifiers: ClinVar variation 1956480 (VCV001956480.5), dbSNP rs773686514, ClinGen allele CA4002614.
Genomic context (GRCh38, chr6:131,890,432, plus strand): 5'-AATTGTTAATGTTACACAGAGCACGGATCACAGATGTTGAGCACATCACTGGACTCAGCT[T>C]CTATCAACAAAGAAAAGAGCCAGTTTCAGACATTTTAAAGTTGAAAACACATTTGCCAAC-3'
Protein context (NP_006199.2, residues 890-910): TDVEHITGLS[Phe900Ser]YQQRKEPVSD